The following is an entry in ClinVar:

ClinVar aggregate classification (germline): Uncertain significance. Review status: criteria provided, multiple submitters, no conflicts (2 of 4 stars). 2 submissions from 2 submitters: Uncertain significance (2). Last evaluated 2025-09-17.

Conditions:
OTOG-related disorder. Also called: OTOG-related condition.

gnomAD v4.1: 20 of 1,549,650 alleles (0.0013%); highest among the groups gnomAD compares: East Asian, 0.0073%; no homozygotes.

Submissions (2):

PreventionGenetics, part of Exact Sciences
Classification: Uncertain significance for OTOG-related condition. Last evaluated: 2025-09-17. Review status: criteria provided, single submitter. Criteria: ACMG Guidelines, 2015. Collection method: clinical testing. Allele origin: germline.
Comment: The OTOG c.8755G>A variant is predicted to result in the amino acid substitution p.Asp2919Asn. To our knowledge, this variant has not been reported in the literature. This variant is reported in 0.019% of alleles in individuals of East Asian descent in gnomAD. At this time, the clinical significance of this variant is uncertain due to the absence of conclusive functional and genetic evidence.

Blueprint Genetics
Classification: Uncertain significance. Last evaluated: 2024-03-08. Review status: criteria provided, single submitter. Criteria: ACMG Guidelines, 2015. Collection method: clinical testing. Allele origin: germline.

NM_001292063.2(OTOG):c.8719G>A (p.Asp2907Asn)

Gene: OTOG (otogelin; plus strand). Cytogenetic location: 11p15.1.
Variant type: single nucleotide variant.
Coding change: c.8719G>A on transcript NM_001292063.2 (MANE Select); coding-DNA position 8719, G replaced by A.
Protein change: p.Asp2907Asn; replaces aspartic acid 2907 with asparagine.
Molecular consequence: missense variant.
Genome position (GRCh38, 1-based): chr11:17,645,921, G>A. VCF-style: chr11-17645921-G-A. GRCh37 (hg19) VCF-style: chr11-17667468-G-A.
Other names: c.8755G>A, p.Asp2919Asn (NM_001277269.2); c.8755G>A (NM_001277269.1); short protein forms D2919N, D2907N.
Identifiers: ClinVar variation 4910958 (VCV004910958.2).